The following is an entry in ClinVar:

ClinVar aggregate classification (germline): Pathogenic (1 of 4 stars; one submission).

Submission:

Labcorp Genetics (formerly Invitae), Labcorp
Classification: Pathogenic. Last evaluated: 2024-01-05. Review status: criteria provided, single submitter. Criteria: Invitae Variant Classification Sherloc (09022015). Collection method: clinical testing. Allele origin: germline.
Comment: This sequence change replaces cysteine, which is neutral and slightly polar, with serine, which is neutral and polar, at codon 1161 of the KMT2A protein (p.Cys1161Ser). This variant is not present in population databases (gnomAD no frequency). This missense change has been observed in individual(s) with Wiedemann-Steiner syndrome (Invitae). In at least one individual the variant was observed to be de novo. Advanced modeling of protein sequence and biophysical properties (such as structural, functional, and spatial information, amino acid conservation, physicochemical variation, residue mobility, and thermodynamic stability) performed at Invitae indicates that this missense variant is expected to disrupt KMT2A protein function with a positive predictive value of 95%. For these reasons, this variant has been classified as Pathogenic.

NM_001197104.2(KMT2A):c.3481T>A (p.Cys1161Ser)

Gene: KMT2A (lysine methyltransferase 2A; plus strand). Cytogenetic location: 11q23.3.
Variant type: single nucleotide variant.
Coding change: c.3481T>A on transcript NM_001197104.2 (MANE Select); coding-DNA position 3481, T replaced by A.
Protein change: p.Cys1161Ser; replaces cysteine 1161 with serine.
Molecular consequence: missense variant.
Genome position (GRCh38, 1-based): chr11:118,478,113, T>A. VCF-style: chr11-118478113-T-A. GRCh37 (hg19) VCF-style: chr11-118348828-T-A.
Other names: c.3580T>A, p.Cys1194Ser (NM_001412597.1); c.3481T>A, p.Cys1161Ser (NM_005933.4); short protein forms C1161S, C1194S.
Identifiers: ClinVar variation 2696743 (VCV002696743.3), dbSNP rs2496841746, ClinGen allele CA382824858.